The following is an entry in ClinVar:

ClinVar aggregate classification (germline): Pathogenic. Review status: criteria provided, multiple submitters, no conflicts (2 of 4 stars). 2 submissions from 2 submitters: Pathogenic (2). Last evaluated 2025-05-25.

Conditions:
Granulomatous disease, chronic, X-linked. Also called: GRANULOMATOUS DISEASE, CHRONIC, X-LINKED, SOMATIC MOSAIC; CYTOCHROME b-NEGATIVE GRANULOMATOUS DISEASE, CHRONIC, X-LINKED. Identifiers: Orphanet 379, MedGen C1844376, MONDO:0010600, OMIM 306400.

Submissions (2):

GeneDx
Classification: Pathogenic. Last evaluated: 2025-05-25. Review status: criteria provided, single submitter. Criteria: GeneDx Variant Classification Process June 2021. Collection method: clinical testing. Allele origin: germline. Affected: yes.
Comment: Has been reported in hemizygous state in association with chronic granulomatous disease in the published literature, and not observed in hemizygous state in controls (PMID: 9585602, 30470980, 35140711); Frameshift variant predicted to result in protein truncation or nonsense mediated decay in a gene for which loss of function is a known mechanism of disease; Not observed at significant frequency in large population cohorts (gnomAD); Also known as c.1050del; This variant is associated with the following publications: (PMID: 35874699, 30470980, 35140711, 9585602, 34134972, 33717137)

Labcorp Genetics (formerly Invitae), Labcorp
Classification: Pathogenic for Granulomatous disease, chronic, X-linked. Last evaluated: 2024-10-23. Review status: criteria provided, single submitter. Criteria: Invitae Variant Classification Sherloc (09022015). Collection method: clinical testing. Allele origin: germline.
Comment: This sequence change creates a premature translational stop signal (p.Glu347Argfs*39) in the CYBB gene. It is expected to result in an absent or disrupted protein product. Loss-of-function variants in CYBB are known to be pathogenic (PMID: 9585602, 20729109). This variant is not present in population databases (gnomAD no frequency). This premature translational stop signal has been observed in individual(s) with chronic granulomatous disease (PMID: 30470980, 33717137). For these reasons, this variant has been classified as Pathogenic.

Literature cited by the submitters: PubMed 9585602 (cited by Labcorp Genetics (formerly Invitae), Labcorp); PubMed 20729109 (cited by Labcorp Genetics (formerly Invitae), Labcorp); PubMed 30470980 (cited by Labcorp Genetics (formerly Invitae), Labcorp); PubMed 33717137 (cited by Labcorp Genetics (formerly Invitae), Labcorp).

NM_000397.4(CYBB):c.1038del (p.Glu347fs)

Gene: CYBB (cytochrome b-245 beta chain; plus strand). Cytogenetic location: Xp11.4.
Variant type: Deletion.
Coding change: c.1038del on transcript NM_000397.4 (MANE Select); coding-DNA position 1038, one base deleted (T; older notation c.1038delT).
Protein change: p.Glu347fs; shifts the reading frame from glutamic acid 347.
Molecular consequence: frameshift variant.
Genome position (GRCh38, 1-based): chrX:37,804,017, T deleted. VCF-style (leftmost placement, unchanged base first): chrX-37804016-CT-C. GRCh37 (hg19) VCF-style: chrX-37663269-CT-C.
Other names: c.1038del (NM_000397.3); c.1038delT, p.Glu347Argfs (NM_000397.3); short protein forms E347fs.
Identifiers: ClinVar variation 2737188 (VCV002737188.4), dbSNP rs2519208716, ClinGen allele CA2695233161.